The following is an entry in ClinVar:

ClinVar aggregate classification (germline): Pathogenic (1 of 4 stars; one submission).

Conditions:
Primary ciliary dyskinesia. Also called: Ciliary dyskinesia. Identifiers: Orphanet 244, MedGen C0008780, MONDO:0016575, HP:0012265.

Submission:

Labcorp Genetics (formerly Invitae), Labcorp
Classification: Pathogenic for Primary ciliary dyskinesia. Last evaluated: 2023-03-14. Review status: criteria provided, single submitter. Criteria: Invitae Variant Classification Sherloc (09022015). Collection method: clinical testing. Allele origin: germline.
Comment: This sequence change creates a premature translational stop signal (p.Asp1088Ilefs*5) in the DNAH5 gene. It is expected to result in an absent or disrupted protein product. Loss-of-function variants in DNAH5 are known to be pathogenic (PMID: 11788826, 16627867). This variant is not present in population databases (gnomAD no frequency). This variant has not been reported in the literature in individuals affected with DNAH5-related conditions. This variant is also known as c.3262+1del. Algorithms developed to predict the effect of sequence changes on RNA splicing suggest that this variant may disrupt the consensus splice site. For these reasons, this variant has been classified as Pathogenic.

Literature cited by the submitters: PubMed 11788826; PubMed 16627867.

NM_001369.3(DNAH5):c.3262+1del

Genes: DNAH5 (dynein axonemal heavy chain 5; minus strand), DNAH5-AS1 (DNAH5 antisense RNA 1; plus strand). Cytogenetic location: 5p15.2.
Variant type: Deletion.
Coding change: c.3262+1del on transcript NM_001369.3 (MANE Select); the canonical splice donor site of the intron after coding-DNA position 3262, one base deleted (G; older notation c.3262+1delG).
Molecular consequence: splice donor variant.
Genome position (GRCh38, 1-based): chr5:13,882,727, C deleted on the plus strand (G on the coding strand, the reverse complement: DNAH5 is on the minus strand); the first of 2 consecutive C bases (chr5:13,882,727-13,882,728); deleting either gives the same sequence. VCF-style (leftmost placement, unchanged base first): chr5-13882726-AC-A. GRCh37 (hg19) VCF-style: chr5-13882835-AC-A.
Identifiers: ClinVar variation 2995563 (VCV002995563.3), dbSNP rs2547030082, ClinGen allele CA2740091700.